The following is an entry in ClinVar:

NM_018718.3(CEP41):c.*1336A>G

Gene: CEP41 (centrosomal protein 41; minus strand). Cytogenetic location: 7q32.2.
Variant type: single nucleotide variant.
Coding change: c.*1336A>G on transcript NM_018718.3 (MANE Select); 1336 bases downstream of the stop codon, A replaced by G.
Molecular consequence: 3 prime UTR variant. On other transcripts: non-coding transcript variant (1).
Genome position (GRCh38, 1-based): chr7:130,397,555, T>C on the plus strand (A>G on the coding strand, the complement: CEP41 is on the minus strand). VCF-style: chr7-130397555-T-C. GRCh37 (hg19) VCF-style: chr7-130037396-T-C.
Other names: c.*1336A>G (NM_001257158.2, NM_001257159.2).
Identifiers: ClinVar variation 912266 (VCV000912266.4), dbSNP rs781954428, ClinGen allele CA4485270.
Genomic context (GRCh38, chr7:130,397,555, plus strand): 5'-TACTGTGGTGCATTTTTTTTTTTTTTTTTTTTTTTTTTTGGTGGCGAGAAAATAGTACTG[T>C]TAAGGCAAATCTTACCCCGTAGCAGTTACCAGCAGGACAGGCAATTTTCAGTGGGCTTTT-3'

ClinVar aggregate classification (germline): Likely benign (1 of 4 stars; one submission).

Conditions:
Joubert syndrome 15 (JBTS15). Identifiers: Orphanet 475, MedGen C3280897, MONDO:0013763, OMIM 614464.

Allele frequency attached by ClinVar (database versions not stated): gnomAD 0.00007 and 0.00008; 1000 Genomes Project 30x 0.00016; gnomAD exomes 0.00029 and 0.00032; ExAC 0.00082.
gnomAD v4.1: 100 of 445,310 alleles (0.022%); highest among the groups gnomAD compares: South Asian, 0.091%; no homozygotes.

Submission:

Illumina Laboratory Services, Illumina
Classification: Likely benign for Joubert syndrome 15. Last evaluated: 2018-01-13. Review status: criteria provided, single submitter. Criteria: ICSL Variant Classification Criteria 13 December 2019. Collection method: clinical testing. Allele origin: germline.
Comment: This variant was observed in the ICSL laboratory as part of a predisposition screen in an ostensibly healthy population. It had not been previously curated by ICSL or reported in the Human Gene Mutation Database (HGMD: prior to June 1st, 2018), and was therefore a candidate for classification through an automated scoring system. Utilizing variant allele frequency, disease prevalence and penetrance estimates, and inheritance mode, an automated score was calculated to assess if this variant is too frequent to cause the disease. Based on the score and internal cut-off values, a variant classified as likely benign is not then subjected to further curation. The score for this variant resulted in a classification of likely benign for this disease.